The following is an entry in ClinVar:

ClinVar aggregate classification (germline): Pathogenic. Review status: criteria provided, single submitter (1 of 4 stars). 3 submissions from 3 submitters: Pathogenic (1). 2 of the submissions do not count toward it. Last evaluated 2023-05-30.

Conditions:
Mirror movements 2 (MRMV2). Identifiers: Orphanet 238722, MedGen C3281089, MONDO:0013790, OMIM 614508.
Familial cancer of breast. Also called: Hereditary breast cancer; BREAST CANCER, FAMILIAL; hereditary breast carcinoma. Identifiers: Orphanet 227535, MedGen C0346153, MONDO:0016419, OMIM 114480. Disease mechanism: loss of function.

Allele frequency attached by ClinVar (database versions not stated): TOPMed 0.00002.
gnomAD v4.1: 4 of 1,613,800 alleles (0.00025%); highest among the groups gnomAD compares: African/African-American, 0.0013%; no homozygotes.

Submissions (3):

Institute of Human Genetics, University of Leipzig Medical Center
Classification: Pathogenic for Familial cancer of breast. Last evaluated: 2023-05-30. Review status: criteria provided, single submitter. Criteria: ACMG Guidelines, 2015. Collection method: clinical testing. Allele origin: unknown. Inheritance: Autosomal dominant inheritance. Affected: yes.
Comment: Criteria applied: PVS1,PS4_SUP,PM2_SUP

OMIM
Classification: Pathogenic for MIRROR MOVEMENTS 2. Last evaluated: 2012-02-10. Review status: no assertion criteria provided. Collection method: literature only. Allele origin: germline. Not counted in ClinVar's aggregate classification.

GeneReviews
No classification provided. Condition: Mirror movements 2. Review status: no classification provided. Collection method: literature only. Allele origin: germline. Affected: yes. Not counted in ClinVar's aggregate classification.

Literature cited by the submitters: PubMed 21242494 (cited by OMIM and GeneReviews); PubMed 22305526 (cited by OMIM); PubMed 27830107 (cited by OMIM); NCBI Bookshelf NBK279760 (cited by GeneReviews).

NM_002875.5(RAD51):c.760C>T (p.Arg254Ter)

Gene: RAD51 (RAD51 recombinase; plus strand). Cytogenetic location: 15q15.1.
Variant type: single nucleotide variant.
Coding change: c.760C>T on transcript NM_002875.5 (MANE Select); coding-DNA position 760, C replaced by T.
Protein change: p.Arg254Ter; replaces arginine 254 with a stop codon.
Molecular consequence: nonsense.
Genome position (GRCh38, 1-based): chr15:40,729,620, C>T. VCF-style: chr15-40729620-C-T. GRCh37 (hg19) VCF-style: chr15-41021818-C-T.
Other names: c.763C>T, p.Arg255Ter (NM_001164269.2, NM_133487.4); c.760C>T, p.Arg254Ter (NM_001164270.2); short protein forms R254*, R255*.
Identifiers: ClinVar variation 29868 (VCV000029868.4), dbSNP rs199925463, ClinGen allele CA342718.